The following is an entry in ClinVar:

NM_000455.5(STK11):c.1193_1219del (p.Ala398_Ala406del)

Gene: STK11 (serine/threonine kinase 11; plus strand). Cytogenetic location: 19p13.3.
Variant type: Deletion.
Coding change: c.1193_1219del on transcript NM_000455.5 (MANE Select); coding-DNA positions 1193 to 1219, 27 bases deleted (CGCAGCTGAGCACCAAATCCAGGGCGG).
Protein change: p.Ala398_Ala406del.
Molecular consequence: inframe deletion.
Genome position (GRCh38, 1-based): chr19:1,226,538-1,226,564, CGCAGCTGAGCACCAAATCCAGGGCGG deleted; deleting any 27 consecutive bases within chr19:1,226,533-1,226,564 gives the same sequence; the c. name uses the placement nearest the transcript's 3' end. VCF-style (leftmost placement, unchanged base first): chr19-1226532-AGGCGGCGCAGCTGAGCACCAAATCCAG-A. GRCh37 (hg19) VCF-style: chr19-1226531-AGGCGGCGCAGCTGAGCACCAAATCCAG-A.
Identifiers: ClinVar variation 1016148 (VCV001016148.8), dbSNP rs2080822675, ClinGen allele CA2317593711.

ClinVar aggregate classification (germline): Uncertain significance (1 of 4 stars; one submission).

Conditions:
Peutz-Jeghers syndrome (PJS). Also called: Peutz-Jeghers polyposis; Periorificial lentiginosis syndrome; POLYPOSIS, HAMARTOMATOUS INTESTINAL; POLYPS-AND-SPOTS SYNDROME. Identifiers: Orphanet 2869, MedGen C0031269, MeSH D010580, MONDO:0008280, OMIM 175200.

Submission:

Labcorp Genetics (formerly Invitae), Labcorp
Classification: Uncertain significance for Peutz-Jeghers syndrome. Last evaluated: 2020-07-23. Review status: criteria provided, single submitter. Criteria: Invitae Variant Classification Sherloc (09022015). Collection method: clinical testing. Allele origin: germline.
Comment: In summary, the available evidence is currently insufficient to determine the role of this variant in disease. Therefore, it has been classified as a Variant of Uncertain Significance. Experimental studies and prediction algorithms are not available or were not evaluated, and the functional significance of this variant is currently unknown. This variant has not been reported in the literature in individuals with STK11-related conditions. This variant is not present in population databases (ExAC no frequency). This variant, c.1193_1219del, results in the deletion of 9 amino acid(s) of the STK11 protein (p.Ala398_Ala406del), but otherwise preserves the integrity of the reading frame.